The following is an entry in ClinVar:

ClinVar aggregate classification (germline): Uncertain significance (1 of 4 stars; one submission).

Allele frequency attached by ClinVar (database versions not stated): gnomAD exomes below 0.00001.
gnomAD v4.1: 1 of 1,613,370 alleles (0.000062%); highest among the groups gnomAD compares: Non-Finnish European, 0.000085%; no homozygotes.

Submission:

Labcorp Genetics (formerly Invitae), Labcorp
Classification: Uncertain significance. Last evaluated: 2022-05-08. Review status: criteria provided, single submitter. Criteria: Invitae Variant Classification Sherloc (09022015). Collection method: clinical testing. Allele origin: germline.
Comment: In summary, the available evidence is currently insufficient to determine the role of this variant in disease. Therefore, it has been classified as a Variant of Uncertain Significance. Algorithms developed to predict the effect of missense changes on protein structure and function are either unavailable or do not agree on the potential impact of this missense change (SIFT: "Deleterious"; PolyPhen-2: "Possibly Damaging"; Align-GVGD: "Class C0"). This variant has not been reported in the literature in individuals affected with RIMS1-related conditions. This variant is present in population databases (no rsID available, gnomAD 0.0009%). This sequence change replaces leucine, which is neutral and non-polar, with proline, which is neutral and non-polar, at codon 1510 of the RIMS1 protein (p.Leu1510Pro).

NM_014989.7(RIMS1):c.4529T>C (p.Leu1510Pro)

Gene: RIMS1 (regulating synaptic membrane exocytosis 1; plus strand). Cytogenetic location: 6q13.
Variant type: single nucleotide variant.
Coding change: c.4529T>C on transcript NM_014989.7 (MANE Select); coding-DNA position 4529, T replaced by C.
Protein change: p.Leu1510Pro; replaces leucine 1510 with proline.
Molecular consequence: missense variant.
Genome position (GRCh38, 1-based): chr6:72,392,721, T>C. VCF-style: chr6-72392721-T-C. GRCh37 (hg19) VCF-style: chr6-73102423-T-C.
Other names: c.2489T>C, p.Leu830Pro (NM_001168407.2); c.1904T>C, p.Leu635Pro (NM_001168408.2, NM_001350430.2); c.1733T>C, p.Leu578Pro (NM_001168409.2); c.1931T>C, p.Leu644Pro (NM_001168410.2); c.110T>C, p.Leu37Pro (NM_001168411.2); c.2450T>C, p.Leu817Pro (NM_001350414.2); c.2546T>C, p.Leu849Pro (NM_001350415.2); c.2495T>C, p.Leu832Pro (NM_001350416.2); and 54 more; short protein forms L37P, L607P, L608P, L620P, L628P, L644P, L646P, L659P.
Identifiers: ClinVar variation 1976996 (VCV001976996.5), dbSNP rs1421255813, ClinGen allele CA364819349.